The following is an entry in ClinVar:

ClinVar aggregate classification (germline): Likely benign. Review status: criteria provided, multiple submitters, no conflicts (2 of 4 stars). 2 submissions from 2 submitters: Likely benign (2). Last evaluated 2022-11-01.

Allele frequency attached by ClinVar (database versions not stated): TOPMed 0.00075; ESP Exome Variant Server 0.00077; gnomAD exomes 0.00113 and 0.00122; gnomAD 0.00125 and 0.00135; ExAC 0.00128.
gnomAD v4.1: 1,997 of 1,612,946 alleles (0.12%); highest among the groups gnomAD compares: Non-Finnish European, 0.13%; 3 homozygotes.

Submissions (2):

CeGaT Center for Human Genetics Tuebingen
Classification: Likely benign. Last evaluated: 2022-11-01. Review status: criteria provided, single submitter. Criteria: CeGaT Center For Human Genetics Tuebingen Variant Classification Criteria Version 2. Collection method: clinical testing. Allele origin: germline. Affected: yes. Observed: 1 variant allele.
Comment: MAP2: BP4

Labcorp Genetics (formerly Invitae), Labcorp
Classification: Likely benign. Last evaluated: 2018-04-25. Review status: criteria provided, single submitter. Criteria: Invitae Variant Classification Sherloc (09022015). Collection method: clinical testing. Allele origin: germline.

NM_001375505.1(MAP2):c.1405G>A (p.Glu469Lys)

Gene: MAP2 (microtubule associated protein 2; plus strand). Cytogenetic location: 2q34.
Variant type: single nucleotide variant.
Coding change: c.1405G>A on transcript NM_001375505.1 (MANE Select); coding-DNA position 1405, G replaced by A.
Protein change: p.Glu469Lys; replaces glutamic acid 469 with lysine.
Molecular consequence: missense variant. On other transcripts: intron variant (28).
Genome position (GRCh38, 1-based): chr2:209,693,575, G>A. VCF-style: chr2-209693575-G-A. GRCh37 (hg19) VCF-style: chr2-210558299-G-A.
Other names: c.1393G>A, p.Glu465Lys (NM_001363910.2, NM_001363911.2, NM_001375500.1 and 4 more transcripts); c.1651G>A, p.Glu551Lys (NM_001375501.1, NM_001375531.1, NM_001375537.1); c.1402G>A, p.Glu468Lys (NM_001375502.1, NM_001375544.1); c.1636G>A, p.Glu546Lys (NM_001375503.1); c.1405G>A, p.Glu469Lys (NM_001375504.1, NM_001375506.1, NM_001375526.1 and 4 more transcripts); c.1639G>A, p.Glu547Lys (NM_001375539.1); c.1390G>A, p.Glu464Lys (NM_001375548.1); c.931G>A, p.Glu311Lys (NM_001375551.1, NM_001375552.1, NM_001375555.1 and 4 more transcripts); and 10 more; short protein forms E468K, E465K, E469K, E547K, E551K, E311K, E464K, E546K.
Identifiers: ClinVar variation 710620 (VCV000710620.27), dbSNP rs141459532, ClinGen allele CA2081786.